The following is an entry in ClinVar:

NM_000218.3(KCNQ1):c.1394-28905T>A

Genes: KCNQ1 (potassium voltage-gated channel subfamily Q member 1; plus strand), KCNQ1OT1 (KCNQ1 opposite strand/antisense transcript 1; minus strand). Cytogenetic location: 11p15.5.
Variant type: single nucleotide variant.
Coding change: c.1394-28905T>A on transcript NM_000218.3 (MANE Select); 28905 bases into the intron before coding-DNA position 1394, T replaced by A.
Molecular consequence: intron variant. On other transcripts: non-coding transcript variant (1).
Genome position (GRCh38, 1-based): chr11:2,633,056, T>A. VCF-style: chr11-2633056-T-A. GRCh37 (hg19) VCF-style: chr11-2654286-T-A.
Other names: c.1124-28905T>A (NM_001406837.1); c.1298-28905T>A (NM_001406836.1); c.854-28905T>A (NM_001406838.1); c.1013-28905T>A (NM_181798.2).
Identifiers: ClinVar variation 2641405 (VCV002641405.24), dbSNP rs573626016, ClinGen allele CA216146926.

ClinVar aggregate classification (germline): Benign (1 of 4 stars; one submission).

Allele frequency attached by ClinVar (database versions not stated): 1000 Genomes Project 30x 0.00016; 1000 Genomes Project 0.00020; gnomAD 0.00081; TOPMed 0.00089; gnomAD exomes 0.00108.
gnomAD v4.1: 385 of 398,536 alleles (0.097%); highest among the groups gnomAD compares: Non-Finnish European, 0.14%; 1 homozygote.

Submission:

CeGaT Center for Human Genetics Tuebingen
Classification: Benign. Last evaluated: 2024-12-01. Review status: criteria provided, single submitter. Criteria: CeGaT Center For Human Genetics Tuebingen Variant Classification Criteria Version 2. Collection method: clinical testing. Allele origin: germline. Affected: yes. Observed: 4 variant alleles.
Comment: KCNQ1OT1: BS1, BS2